The following is an entry in ClinVar:

ClinVar aggregate classification (germline): Conflicting classifications of pathogenicity. Review status: criteria provided, conflicting classifications (1 of 4 stars). 5 submissions from 5 submitters: Uncertain significance (4); Likely benign (1). Last evaluated 2025-09-22.

Conditions:
Cardiovascular phenotype. Identifiers: MedGen CN230736.
Arrhythmogenic cardiomyopathy with wooly hair and keratoderma. Also called: PALMOPLANTAR KERATODERMA WITH LEFT VENTRICULAR CARDIOMYOPATHY AND WOOLLY HAIR; Carvajal syndrome; Dilated cardiomyopathy with woolly hair and keratoderma; Arrhythmogenic cardiomyopathy with woolly hair and keratoderma. Identifiers: Orphanet 65282, MedGen C1854063, MONDO:0011581, OMIM 605676.
Arrhythmogenic right ventricular dysplasia 8 (ARVD8). Also called: ARRHYTHMOGENIC RIGHT VENTRICULAR DYSPLASIA, FAMILIAL, 8; ARRHYTHMOGENIC RIGHT VENTRICULAR CARDIOMYOPATHY 8; Arrhythmogenic Right Ventricular Dysplasia/Cardiomyopathy 8. Identifiers: MedGen C1843896, MONDO:0011831, OMIM 607450.
Cardiomyopathy (CMYO). Also called: Cardiomyopathies. Identifiers: Orphanet 167848, MedGen C0878544, MONDO:0004994, HP:0001638. Inheritance: Various modes of inheritance.
Woolly hair-skin fragility syndrome (WHSF). Identifiers: Orphanet 293165, MedGen C1843292, MONDO:0957307, OMIM 620415.
Cardiomyopathy, dilated, with wooly hair, keratoderma, and tooth agenesis. Also called: Cardiomyopathy, dilated, with woolly hair, keratoderma, and tooth agenesis; Erythrokeratodermia-cardiomyopathy syndrome. Identifiers: Orphanet 476096, Orphanet 65282, MedGen C4014393, MONDO:0014355, OMIM 615821.
Lethal acantholytic epidermolysis bullosa (EBLA). Identifiers: Orphanet 158687, MedGen C1864826, MONDO:0012323, OMIM 609638.
Keratosis palmoplantaris striata 2. Also called: KERATODERMA, PALMOPLANTAR, STRIATE FORM II; STRIATE PALMOPLANTAR KERATODERMA II; Keratosis palmoplantaris striata II. Identifiers: MedGen C1852127, MONDO:0013034, OMIM 612908.

Allele frequency attached by ClinVar (database versions not stated): ExAC 0.00001; gnomAD exomes 0.00001 and 0.00002; TOPMed 0.00002; gnomAD 0.00003 and 0.00004.
gnomAD v4.1: 27 of 1,614,018 alleles (0.0017%); highest among the groups gnomAD compares: Non-Finnish European, 0.0023%; no homozygotes.

Submissions (5):

Labcorp Genetics (formerly Invitae), Labcorp
Classification: Likely benign for Arrhythmogenic cardiomyopathy with wooly hair and keratoderma; Arrhythmogenic right ventricular dysplasia 8. Last evaluated: 2025-09-22. Review status: criteria provided, single submitter. Criteria: Invitae Variant Classification Sherloc (09022015). Collection method: clinical testing. Allele origin: germline.

Color Diagnostics, LLC DBA Color Health
Classification: Uncertain significance for Cardiomyopathy. Last evaluated: 2025-07-29. Review status: criteria provided, single submitter. Criteria: ACMG Guidelines, 2015. Collection method: clinical testing. Allele origin: germline.
Comment: This missense variant replaces lysine with arginine at codon 1288 of the DSP protein. Computational prediction suggests that this variant may not impact protein structure and function. To our knowledge, functional studies have not been reported for this variant. This variant has been reported in an individual affected with complex ventricular arrhythmia (PMID: 20525856) and in an individual affected with dilated cardiomyopathy (PMID: 32880476). This variant has been identified in 4/282312 chromosomes in the general population by the Genome Aggregation Database (gnomAD). The available evidence is insufficient to determine the role of this variant in disease conclusively. Therefore, this variant is classified as a Variant of Uncertain Significance.

Ambry Genetics
Classification: Uncertain significance for Cardiovascular phenotype. Last evaluated: 2025-06-25. Review status: criteria provided, single submitter. Criteria: Ambry Variant Classification Scheme 2023. Collection method: clinical testing. Allele origin: germline.

All of Us Research Program, National Institutes of Health
Classification: Uncertain significance for Arrhythmogenic cardiomyopathy with wooly hair and keratoderma. Last evaluated: 2024-09-23. Review status: criteria provided, single submitter. Criteria: ACMG Guidelines, 2015. Collection method: clinical testing. Allele origin: germline. Inheritance: Autosomal dominant inheritance. Observed: 8 variant alleles, 8 heterozygotes.
Comment: This missense variant replaces lysine with arginine at codon 1288 of the DSP protein. Computational prediction suggests that this variant may not impact protein structure and function (internally defined REVEL score threshold <= 0.5, PMID: 27666373). To our knowledge, functional studies have not been reported for this variant. This variant has been reported in an individual affected with complex ventricular arrhythmia (PMID: 20525856). This variant has been identified in 4/282312 chromosomes in the general population by the Genome Aggregation Database (gnomAD). The available evidence is insufficient to determine the role of this variant in disease conclusively. Therefore, this variant is classified as a Variant of Uncertain Significance.

This study involves interpretation of variants in research participants for the purpose of population health screening. Participant phenotype was not available at the time of variant classification. Additional details can be found in publication PMID: 35346344, PMCID: PMC8962531

Fulgent Genetics
Classification: Uncertain significance for Arrhythmogenic cardiomyopathy with wooly hair and keratoderma; Arrhythmogenic right ventricular dysplasia 8; Lethal acantholytic epidermolysis bullosa; Keratosis palmoplantaris striata 2; Cardiomyopathy, dilated, with wooly hair, keratoderma, and tooth agenesis. Last evaluated: 2021-09-15. Review status: criteria provided, single submitter. Criteria: ACMG Guidelines, 2015. Collection method: clinical testing. Allele origin: unknown.

Literature cited by the submitters: PubMed 20525856 (cited by Color Diagnostics, LLC DBA Color Health and All of Us Research Program, National Institutes of Health); PubMed 32880476 (cited by Color Diagnostics, LLC DBA Color Health).

NM_004415.4(DSP):c.3863A>G (p.Lys1288Arg)

Gene: DSP (desmoplakin; plus strand). Cytogenetic location: 6p24.3.
Variant type: single nucleotide variant.
Coding change: c.3863A>G on transcript NM_004415.4 (MANE Select); coding-DNA position 3863, A replaced by G.
Protein change: p.Lys1288Arg; replaces lysine 1288 with arginine.
Molecular consequence: missense variant. On other transcripts: intron variant (1).
Genome position (GRCh38, 1-based): chr6:7,580,053, A>G. VCF-style: chr6-7580053-A-G. GRCh37 (hg19) VCF-style: chr6-7580286-A-G.
Other names: c.3863A>G (LRG_423t1); c.3863A>G, p.Lys1288Arg (NM_001319034.2); c.3582+281A>G (NM_001008844.3); short protein forms K1288R.
Identifiers: ClinVar variation 629391 (VCV000629391.29), dbSNP rs746482538, ClinGen allele CA039305.